The following is an entry in ClinVar:

ClinVar aggregate classification (germline): Uncertain significance (1 of 4 stars; one submission).

gnomAD v4.1: 1 of 1,550,928 alleles (0.000064%); highest among the groups gnomAD compares: Admixed American, 0.002%; no homozygotes.

Submission:

GeneDx
Classification: Uncertain significance. Last evaluated: 2024-10-18. Review status: criteria provided, single submitter. Criteria: GeneDx Variant Classification Process June 2021. Collection method: clinical testing. Allele origin: germline. Affected: yes.
Comment: Not observed at significant frequency in large population cohorts (gnomAD); In silico analysis indicates that this missense variant does not alter protein structure/function; Has not been previously published as pathogenic or benign to our knowledge

NM_001371986.1(UNC80):c.3431A>G (p.Glu1144Gly)

Gene: UNC80 (unc-80 homolog, NALCN channel complex subunit; plus strand). Cytogenetic location: 2q34.
Variant type: single nucleotide variant.
Coding change: c.3431A>G on transcript NM_001371986.1 (MANE Select); coding-DNA position 3431, A replaced by G.
Protein change: p.Glu1144Gly; replaces glutamic acid 1144 with glycine.
Molecular consequence: missense variant.
Genome position (GRCh38, 1-based): chr2:209,842,423, A>G. VCF-style: chr2-209842423-A-G. GRCh37 (hg19) VCF-style: chr2-210707147-A-G.
Other names: c.3437A>G, p.Glu1146Gly (NM_032504.2); c.3422A>G, p.Glu1141Gly (NM_182587.4); short protein forms E1141G, E1144G, E1146G.
Identifiers: ClinVar variation 3781287 (VCV003781287.1).